The following is an entry in ClinVar:

NM_012082.4(ZFPM2):c.2783A>G (p.Asn928Ser)

Genes: ZFPM2 (zinc finger protein, FOG family member 2; plus strand), ZFPM2-AS1 (ZFPM2 antisense RNA 1; minus strand), LOC126860469 (BRD4-independent group 4 enhancer GRCh37_chr8:106814445-106815644; plus strand). Cytogenetic location: 8q23.1.
Variant type: single nucleotide variant.
Coding change: c.2783A>G on transcript NM_012082.4 (MANE Select); coding-DNA position 2783, A replaced by G.
Protein change: p.Asn928Ser; replaces asparagine 928 with serine.
Molecular consequence: missense variant.
Genome position (GRCh38, 1-based): chr8:105,802,865, A>G. VCF-style: chr8-105802865-A-G. GRCh37 (hg19) VCF-style: chr8-106815093-A-G.
Other names: c.2624A>G, p.Asn875Ser (NM_001362836.2); c.2387A>G, p.Asn796Ser (NM_001362837.2); short protein forms N796S, N875S, N928S.
Identifiers: ClinVar variation 2354203 (VCV002354203.4), dbSNP rs531935937, ClinGen allele CA4839967.

ClinVar aggregate classification (germline): Uncertain significance. Review status: criteria provided, multiple submitters, no conflicts (2 of 4 stars). 3 submissions from 3 submitters: Uncertain significance (3). Last evaluated 2026-03-18.

Conditions:
Inborn genetic diseases. Identifiers: MedGen C0950123, MeSH D030342.
46,XY sex reversal 9 (SRXY9). Also called: 46,XY SEX REVERSAL, ZFPM2-RELATED. Identifiers: Orphanet 251510, MedGen C4015129, MONDO:0014480, OMIM 616067.
ZFPM2-related disorder. Also called: ZFPM2-related condition.

Allele frequency attached by ClinVar (database versions not stated): ExAC 0.00002; gnomAD exomes 0.00003; TOPMed 0.00003; gnomAD 0.00004.
gnomAD v4.1: 48 of 1,613,626 alleles (0.003%); highest among the groups gnomAD compares: Middle Eastern, 0.033%; no homozygotes.

Submissions (3):

PreventionGenetics, part of Exact Sciences
Classification: Uncertain significance for ZFPM2-related condition. Last evaluated: 2026-03-18. Review status: criteria provided, single submitter. Criteria: ACMG Guidelines, 2015. Collection method: clinical testing. Allele origin: germline.
Comment: The ZFPM2 c.2783A>G variant is predicted to result in the amino acid substitution p.Asn928Ser. To our knowledge, this variant has not been reported in the literature. This variant is reported in 0.0097% of alleles in individuals of Ashkenazi Jewish descent in gnomAD. At this time, the clinical significance of this variant is uncertain due to the absence of conclusive functional and genetic evidence.

Labcorp Genetics (formerly Invitae), Labcorp
Classification: Uncertain significance for 46,XY sex reversal 9. Last evaluated: 2025-12-10. Review status: criteria provided, single submitter. Criteria: Invitae Variant Classification Sherloc (09022015). Collection method: clinical testing. Allele origin: germline.
Comment: This sequence change replaces asparagine, which is neutral and polar, with serine, which is neutral and polar, at codon 928 of the ZFPM2 protein (p.Asn928Ser). This variant is present in population databases (rs531935937, gnomAD 0.005%). This variant has not been reported in the literature in individuals affected with ZFPM2-related conditions. ClinVar contains an entry for this variant (Variation ID: 2354203). An algorithm developed to predict the effect of missense changes on protein structure and function (PolyPhen-2) suggests that this variant is likely to be disruptive. In summary, the available evidence is currently insufficient to determine the role of this variant in disease. Therefore, it has been classified as a Variant of Uncertain Significance.

Ambry Genetics
Classification: Uncertain significance for Inborn genetic diseases. Last evaluated: 2022-01-10. Review status: criteria provided, single submitter. Criteria: Ambry Variant Classification Scheme 2023. Collection method: clinical testing. Allele origin: germline.